The following is an entry in ClinVar:

ClinVar aggregate classification (germline): Uncertain significance. Review status: criteria provided, multiple submitters, no conflicts (2 of 4 stars). 2 submissions from 2 submitters: Uncertain significance (2). Last evaluated 2024-11-26.

Conditions:
Inborn genetic diseases. Identifiers: MedGen C0950123, MeSH D030342.

Allele frequency attached by ClinVar (database versions not stated): gnomAD exomes below 0.00001; TOPMed below 0.00001; gnomAD 0.00001.
gnomAD v4.1: 8 of 1,613,104 alleles (0.0005%); highest among the groups gnomAD compares: Non-Finnish European, 0.00059%; no homozygotes.

Submissions (2):

Ambry Genetics
Classification: Uncertain significance for Inborn genetic diseases. Last evaluated: 2024-11-26. Review status: criteria provided, single submitter. Criteria: Ambry Variant Classification Scheme 2023. Collection method: clinical testing. Allele origin: germline.

Labcorp Genetics (formerly Invitae), Labcorp
Classification: Uncertain significance. Last evaluated: 2022-10-24. Review status: criteria provided, single submitter. Criteria: Invitae Variant Classification Sherloc (09022015). Collection method: clinical testing. Allele origin: germline.
Comment: This sequence change replaces isoleucine, which is neutral and non-polar, with valine, which is neutral and non-polar, at codon 1381 of the ADGRV1 protein (p.Ile1381Val). This variant is present in population databases (no rsID available, gnomAD 0.007%). This variant has not been reported in the literature in individuals affected with ADGRV1-related conditions. ClinVar contains an entry for this variant (Variation ID: 1372857). Advanced modeling of protein sequence and biophysical properties (such as structural, functional, and spatial information, amino acid conservation, physicochemical variation, residue mobility, and thermodynamic stability) performed at Invitae indicates that this missense variant is not expected to disrupt ADGRV1 protein function. In summary, the available evidence is currently insufficient to determine the role of this variant in disease. Therefore, it has been classified as a Variant of Uncertain Significance.

NM_032119.4(ADGRV1):c.4141A>G (p.Ile1381Val)

Gene: ADGRV1 (adhesion G protein-coupled receptor V1; plus strand). Cytogenetic location: 5q14.3.
Variant type: single nucleotide variant.
Coding change: c.4141A>G on transcript NM_032119.4 (MANE Select); coding-DNA position 4141, A replaced by G.
Protein change: p.Ile1381Val; replaces isoleucine 1381 with valine.
Molecular consequence: missense variant. On other transcripts: non-coding transcript variant (1).
Genome position (GRCh38, 1-based): chr5:90,653,715, A>G. VCF-style: chr5-90653715-A-G. GRCh37 (hg19) VCF-style: chr5-89949532-A-G.
Other names: c.4141A>G (NM_032119.3); short protein forms I1381V.
Identifiers: ClinVar variation 1372857 (VCV001372857.4), dbSNP rs984358394, ClinGen allele CA121839901.